The following is an entry in ClinVar:

NM_001099293.3(KIF4B):c.2039G>A (p.Arg680His)

Gene: KIF4B (kinesin family member 4B; plus strand). Cytogenetic location: 5q33.2.
Variant type: single nucleotide variant.
Coding change: c.2039G>A on transcript NM_001099293.3 (MANE Select); coding-DNA position 2039, G replaced by A.
Protein change: p.Arg680His; replaces arginine 680 with histidine.
Molecular consequence: missense variant.
Genome position (GRCh38, 1-based): chr5:155,015,898, G>A. VCF-style: chr5-155015898-G-A. GRCh37 (hg19) VCF-style: chr5-154395458-G-A.
Other names: short protein forms R680H.
Identifiers: ClinVar variation 3056935 (VCV003056935.2), dbSNP rs17116710, ClinGen allele CA3530133.

ClinVar aggregate classification (germline): Benign (0 of 4 stars; one submission).

Conditions:
KIF4B-related disorder. Also called: KIF4B-related condition.

Allele frequency attached by ClinVar (database versions not stated): ESP Exome Variant Server 0.16116; TOPMed 0.16189; gnomAD 0.17143; 1000 Genomes Project 30x 0.17427; 1000 Genomes Project 0.17891; ExAC 0.18761.
gnomAD v4.1: 302,343 of 1,613,976 alleles (19%); highest among the groups gnomAD compares: South Asian, 23%; 28,925 homozygotes.

Submission:

PreventionGenetics, part of Exact Sciences
Classification: Benign for KIF4B-related condition. Last evaluated: 2019-04-01. Review status: no assertion criteria provided. Collection method: clinical testing. Allele origin: germline.
Comment: This variant is classified as benign based on ACMG/AMP sequence variant interpretation guidelines (Richards et al. 2015 PMID: 25741868, with internal and published modifications).